The following is an entry in ClinVar:

ClinVar aggregate classification (germline): Uncertain significance. Review status: criteria provided, multiple submitters, no conflicts (2 of 4 stars). 2 submissions from 2 submitters: Uncertain significance (2). Last evaluated 2022-06-06.

Conditions:
Elliptocytosis 1 (EL1). Also called: 4.1- TRAIT; 4.1-MINUS TRAIT; ELLIPTOCYTOSIS, RHESUS-LINKED TYPE; PROTEIN 4.1 OF ERYTHROCYTE MEMBRANE, DEFECT OF. Identifiers: Orphanet 288, MedGen C2678497, MONDO:0012731, OMIM 611804.

Allele frequency attached by ClinVar (database versions not stated): TOPMed 0.00002; gnomAD exomes 0.00004; ExAC 0.00006.
gnomAD v4.1: 55 of 1,613,824 alleles (0.0034%); highest among the groups gnomAD compares: East Asian, 0.12%; no homozygotes.

Submissions (2):

Mayo Clinic Laboratories, Mayo Clinic
Classification: Uncertain significance. Last evaluated: 2022-06-06. Review status: criteria provided, single submitter. Criteria: ACMG Guidelines, 2015. Collection method: clinical testing. Allele origin: germline. Observed: 1 variant allele.
Comment: PP3

Revvity Omics, Revvity
Classification: Uncertain significance for Elliptocytosis 1. Last evaluated: 2022-01-18. Review status: criteria provided, single submitter. Criteria: ACMG Guidelines, 2015. Collection method: clinical testing. Allele origin: germline.

NM_001376013.1(EPB41):c.2438A>G (p.Glu813Gly)

Gene: EPB41 (erythrocyte membrane protein band 4.1; plus strand). Cytogenetic location: 1p35.3.
Variant type: single nucleotide variant.
Coding change: c.2438A>G on transcript NM_001376013.1 (MANE Select); coding-DNA position 2438, A replaced by G.
Protein change: p.Glu813Gly; replaces glutamic acid 813 with glycine.
Molecular consequence: missense variant.
Genome position (GRCh38, 1-based): chr1:29,112,390, A>G. VCF-style: chr1-29112390-A-G. GRCh37 (hg19) VCF-style: chr1-29438902-A-G.
Other names: p.Glu813Gly; c.2438A>G (NM_001166005.1); c.2438A>G, p.Glu813Gly (NM_001166005.2); c.1649A>G, p.Glu550Gly (NM_001166007.2); c.2369A>G, p.Glu790Gly (NM_001376014.1); c.2333A>G, p.Glu778Gly (NM_001376015.1); c.1811A>G, p.Glu604Gly (NM_001376022.1); c.1610A>G, p.Glu537Gly (NM_004437.4); and 2 more; short protein forms E537G, E550G, E590G, E604G, E724G, E778G, E790G, E813G.
Identifiers: ClinVar variation 2441244 (VCV002441244.4), dbSNP rs769650632, ClinGen allele CA724839.